The following is an entry in ClinVar:

NM_005359.6(SMAD4):c.698A>G (p.His233Arg)

Gene: SMAD4 (SMAD family member 4; plus strand). Cytogenetic location: 18q21.2.
Variant type: single nucleotide variant.
Coding change: c.698A>G on transcript NM_005359.6 (MANE Select); coding-DNA position 698, A replaced by G.
Protein change: p.His233Arg; replaces histidine 233 with arginine.
Molecular consequence: missense variant.
Genome position (GRCh38, 1-based): chr18:51,058,155, A>G. VCF-style: chr18-51058155-A-G. GRCh37 (hg19) VCF-style: chr18-48584525-A-G.
Other names: short protein forms H233R.
Identifiers: ClinVar variation 529909 (VCV000529909.20), dbSNP rs1555685910, ClinGen allele CA402462707.

ClinVar aggregate classification (germline): Uncertain significance. Review status: criteria provided, multiple submitters, no conflicts (2 of 4 stars). 4 submissions from 4 submitters: Uncertain significance (4). Last evaluated 2025-08-29.

Conditions:
Hereditary cancer-predisposing syndrome. Also called: Neoplastic Syndromes, Hereditary; Hereditary neoplastic syndrome; Tumor predisposition; Hereditary Cancer Syndrome. Identifiers: Orphanet 140162, MedGen C0027672, MeSH D009386, MONDO:0015356.
Familial thoracic aortic aneurysm and aortic dissection (TAAD). Also called: Thoracic aortic aneurysms and dissections. Identifiers: Orphanet 91387, MedGen C4707243, MONDO:0019625.
Juvenile polyposis syndrome (JPS). Identifiers: Orphanet 2929, MedGen C0345893, MONDO:0017380, OMIM 174900.

Allele frequency attached by ClinVar (database versions not stated): gnomAD 0.00001; gnomAD exomes 0.00001.
gnomAD v4.1: 10 of 1,614,072 alleles (0.00062%); highest among the groups gnomAD compares: Non-Finnish European, 0.00085%; no homozygotes.

Submissions (4):

Labcorp Genetics (formerly Invitae), Labcorp
Classification: Uncertain significance for Juvenile polyposis syndrome. Last evaluated: 2025-08-29. Review status: criteria provided, single submitter. Criteria: Invitae Variant Classification Sherloc (09022015). Collection method: clinical testing. Allele origin: germline.
Comment: This sequence change replaces histidine, which is basic and polar, with arginine, which is basic and polar, at codon 233 of the SMAD4 protein (p.His233Arg). This variant is not present in population databases (gnomAD no frequency). This variant has not been reported in the literature in individuals affected with SMAD4-related conditions. ClinVar contains an entry for this variant (Variation ID: 529909). Invitae Evidence Modeling of protein sequence and biophysical properties (such as structural, functional, and spatial information, amino acid conservation, physicochemical variation, residue mobility, and thermodynamic stability) indicates that this missense variant is not expected to disrupt SMAD4 protein function with a negative predictive value of 95%. In summary, the available evidence is currently insufficient to determine the role of this variant in disease. Therefore, it has been classified as a Variant of Uncertain Significance.

Ambry Genetics
Classification: Uncertain significance for Hereditary cancer-predisposing syndrome; Familial thoracic aortic aneurysm and aortic dissection. Last evaluated: 2025-03-24. Review status: criteria provided, single submitter. Criteria: Ambry Variant Classification Scheme 2023. Collection method: clinical testing. Allele origin: germline.
Comment: The p.H233R variant (also known as c.698A>G), located in coding exon 5 of the SMAD4 gene, results from an A to G substitution at nucleotide position 698. The histidine at codon 233 is replaced by arginine, an amino acid with highly similar properties. This amino acid position is highly conserved in available vertebrate species. In addition, the in silico prediction for this alteration is inconclusive. Since supporting evidence is limited at this time, the clinical significance of this alteration remains unclear.

ARUP Laboratories, Molecular Genetics and Genomics, ARUP Laboratories
Classification: Uncertain significance. Last evaluated: 2018-04-16. Review status: criteria provided, single submitter. Criteria: ARUP Molecular Germline Variant Investigation Process. Collection method: clinical testing. Allele origin: germline.
Comment: The SMAD4 c.698A>G; p.His233Arg variant, to our knowledge, is not reported in the medical literature or gene specific databases. This variant is also absent from the general population databases (1000 Genomes Project, Exome Variant Server, and Genome Aggregation Database), indicating it is not a common polymorphism. The histidine at codon 233 is highly conserved, but computational analyses (SIFT, PolyPhen-2) predict that this variant is tolerated. However, given the lack of clinical and functional data, the significance of the p.His233Arg variant is uncertain at this time.

Women's Health and Genetics/Laboratory Corporation of America, LabCorp
Classification: Uncertain significance. Last evaluated: 2018-03-30. Review status: criteria provided, single submitter. Criteria: LabCorp Variant Classification Summary - May 2015. Collection method: clinical testing. Allele origin: germline.
Comment: Variant summary: SMAD4 c.698A>G (p.His233Arg) results in a non-conservative amino acid change in the encoded protein sequence. Three of five in-silico tools predict a benign effect of the variant on protein function. The variant was absent in 121270 control chromosomes. The available data on variant occurrences in the general population are insufficient to allow any conclusion about variant significance. To our knowledge, no occurrence of c.698A>G in individuals affected with Juvenile Polyposis Syndrome and no experimental evidence demonstrating its impact on protein function have been reported. No clinical diagnostic laboratories have submitted clinical-significance assessments for this variant to ClinVar after 2014. Based on the evidence outlined above, the variant was classified as uncertain significance.